The following is an entry in ClinVar:

NM_000053.4(ATP7B):c.1869G>A (p.Glu623=)

Gene: ATP7B (ATPase copper transporting beta; minus strand). Cytogenetic location: 13q14.3.
Variant type: single nucleotide variant.
Coding change: c.1869G>A on transcript NM_000053.4 (MANE Select); coding-DNA position 1869, G replaced by A.
Protein change: p.Glu623=; no amino-acid change (glutamic acid 623 retained).
Molecular consequence: synonymous variant.
Genome position (GRCh38, 1-based): chr13:51,964,872, C>T on the plus strand (G>A on the coding strand, the complement: ATP7B is on the minus strand). VCF-style: chr13-51964872-C-T. GRCh37 (hg19) VCF-style: chr13-52539008-C-T.
Other names: c.1869G>A, p.Glu623= (NM_001005918.3, NM_001330578.2, NM_001330579.2); c.1536G>A, p.Glu512= (NM_001243182.2).
Identifiers: ClinVar variation 1504804 (VCV001504804.6), dbSNP rs2139767805, ClinGen allele CA483896447.

ClinVar aggregate classification (germline): Uncertain significance (1 of 4 stars; one submission).

Conditions:
Wilson disease (WND). Also called: Wilson's disease. Identifiers: Orphanet 905, MedGen C0019202, MONDO:0010200, OMIM 277900. Disease mechanism: loss of function.

Submission:

Labcorp Genetics (formerly Invitae), Labcorp
Classification: Uncertain significance for Wilson disease. Last evaluated: 2022-08-23. Review status: criteria provided, single submitter. Criteria: Invitae Variant Classification Sherloc (09022015). Collection method: clinical testing. Allele origin: germline.
Comment: This sequence change affects codon 623 of the ATP7B mRNA. It is a 'silent' change, meaning that it does not change the encoded amino acid sequence of the ATP7B protein. This variant also falls at the last nucleotide of exon 5, which is part of the consensus splice site for this exon. In summary, the available evidence is currently insufficient to determine the role of this variant in disease. Therefore, it has been classified as a Variant of Uncertain Significance. Variants that disrupt the consensus splice site are a relatively common cause of aberrant splicing (PMID: 17576681, 9536098). Algorithms developed to predict the effect of sequence changes on RNA splicing suggest that this variant is not likely to affect RNA splicing. ClinVar contains an entry for this variant (Variation ID: 1504804). This variant has not been reported in the literature in individuals affected with ATP7B-related conditions. This variant is not present in population databases (gnomAD no frequency).

Literature cited by the submitters: PubMed 17576681; PubMed 9536098.